The following is an entry in ClinVar:

ClinVar aggregate classification (germline): Pathogenic. Review status: criteria provided, multiple submitters, no conflicts (2 of 4 stars). 9 submissions from 9 submitters: Pathogenic (8). 1 of the submissions does not count toward it. Last evaluated 2025-11-26.

Conditions:
TGM1-related disorder. Also called: TGM1-related condition.
Lamellar ichthyosis. Identifiers: Orphanet 313, MedGen C5848247, MONDO:0017778.
Autosomal recessive congenital ichthyosis 1 (LI1). Also called: COLLODION FETUS; DESQUAMATION OF NEWBORN; ICHTHYOSIS, CONGENITAL, AUTOSOMAL RECESSIVE 1, WITH BATHING SUIT DISTRIBUTION; ICHTHYOSIS, CONGENITAL, AUTOSOMAL RECESSIVE 1, WITH OR WITHOUT BATHING SUIT DISTRIBUTION; ICHTHYOSIS CONGENITA; ICHTHYOSIS CONGENITA II. Identifiers: MedGen C4551630, MONDO:0009441, OMIM 242300.

Allele frequency attached by ClinVar (database versions not stated): gnomAD 0.00001; ExAC 0.00002; gnomAD exomes 0.00003 and 0.00004; TOPMed 0.00003; ESP Exome Variant Server 0.00008.

Submissions (9):

GeneDx
Classification: Pathogenic. Last evaluated: 2025-11-26. Review status: criteria provided, single submitter. Criteria: GeneDx Variant Classification Process June 2021. Collection method: clinical testing. Allele origin: germline. Affected: yes.
Comment: Reported as a common pathogenic variant in association with lamellar ichthyosis among individuals of Tunisian background (PMID: 34983512, 23192619, 23278109, 9544844); Nonsense variant predicted to result in protein truncation or nonsense mediated decay in a gene for which loss of function is a known mechanism of disease; This variant is associated with the following publications: (PMID: 31168818, 11298529, 25525159, 31589614, 26762237, 35172852, 34908195, 30968397, 27025581, 28236338, 38588653, 34983512, 23096117, 23192619, 23278109, 9544844)

Natera, Inc.
Classification: Pathogenic for Autosomal recessive congenital ichthyosis type 1. Last evaluated: 2025-10-13. Review status: criteria provided, single submitter. Criteria: Natera Variant Classification Schema (03/2026). Collection method: clinical testing. Allele origin: germline.
Comment: The c.788G>A variant in TGM1 is a nonsense variant predicted to introduce a stop codon at amino acid 263. This variant is expected to result in nonsense mediated decay, truncation, or a dysfunctional protein product. This variant is rare in the general population with a frequency below the threshold expected for the associated phenotype(s). This variant has been observed in one or more individuals affected with the associated recessive disease, as either homozygous or compound heterozygous with a second variant (PMID: 21668430, 22801880). Additionally, this variant has been observed to segregate in affected family members (PMID: 21668430). Given the available evidence, this variant is classified as Pathogenic.

Fulgent Genetics
Classification: Pathogenic for Autosomal recessive congenital ichthyosis 1. Last evaluated: 2024-04-24. Review status: criteria provided, single submitter. Criteria: ACMG Guidelines, 2015. Collection method: clinical testing. Allele origin: germline.

Blueprint Genetics
Classification: Pathogenic for TGM1-related disorders. Last evaluated: 2023-10-23. Review status: criteria provided, single submitter. Criteria: ACMG Guidelines, 2015. Collection method: clinical testing. Allele origin: germline. Affected: yes. Observed: 5 variant alleles.

3billion
Classification: Pathogenic for Autosomal recessive congenital ichthyosis 1. Last evaluated: 2023-08-07. Review status: criteria provided, single submitter. Criteria: ACMG Guidelines, 2015. Collection method: clinical testing. Allele origin: germline. Affected: yes.
Comment: The variant is observed at an extremely low frequency in the gnomAD v2.1.1 dataset (total allele frequency: 0.003%). Predicted Consequence/Location: Stop-gained (nonsense): predicted to result in a loss or disruption of normal protein function through nonsense-mediated decay (NMD) or protein truncation. Multiple pathogenic variants are reported downstream of the variant. Regardless of the mechanism, a variant called homozygous is by default in trans.The variant has been reported at least twice as pathogenic with clinical assertions and evidence for the classification (ClinVar ID: VCV000419403 /PMID: 9544844). Therefore, this variant is classified as Pathogenic according to the recommendation of ACMG/AMP guideline.

Women's Health and Genetics/Laboratory Corporation of America, LabCorp
Classification: Pathogenic for Lamellar ichthyosis. Last evaluated: 2023-04-13. Review status: criteria provided, single submitter. Criteria: LabCorp Variant Classification Summary - May 2015. Collection method: clinical testing. Allele origin: germline.
Comment: Variant summary: TGM1 c.788G>A (p.Trp263X) results in a premature termination codon, predicted to cause a truncation of the encoded protein or absence of the protein due to nonsense mediated decay, which are commonly known mechanisms for disease. Truncations downstream of this position have been classified as pathogenic by our laboratory. The variant allele was found at a frequency of 2.8e-05 in 251446 control chromosomes (gnomAD). c.788G>A has been reported in the literature in multiple individuals affected with Lamellar Ichthyosis (example: Rodriguez-Pazos_2011 and Diociaiuti_2016). These data indicate that the variant is very likely to be associated with disease. Five clinical diagnostic laboratories have submitted clinical-significance assessments for this variant to ClinVar after 2014 and classified the variant as pathogenic. Based on the evidence outlined above, the variant was classified as pathogenic.

Labcorp Genetics (formerly Invitae), Labcorp
Classification: Pathogenic. Last evaluated: 2021-08-27. Review status: criteria provided, single submitter. Criteria: Invitae Variant Classification Sherloc (09022015). Collection method: clinical testing. Allele origin: germline.
Comment: This sequence change creates a premature translational stop signal (p.Trp263*) in the TGM1 gene. It is expected to result in an absent or disrupted protein product. Loss-of-function variants in TGM1 are known to be pathogenic (PMID: 18948357, 19241467). This variant is present in population databases (rs367699137, ExAC 0.002%). This premature translational stop signal has been observed in individuals with congenital lamellar ichthyosis (PMID: 23192619). ClinVar contains an entry for this variant (Variation ID: 419403). For these reasons, this variant has been classified as Pathogenic.

Genome-Nilou Lab
Classification: Pathogenic for Autosomal recessive congenital ichthyosis 1. Review status: criteria provided, single submitter. Criteria: ACMG Guidelines, 2015. Collection method: clinical testing. Allele origin: germline.

Counsyl
Classification: Pathogenic for Autosomal recessive congenital ichthyosis 1. Last evaluated: 2017-09-13. Review status: no assertion criteria provided. Collection method: clinical testing. Allele origin: unknown. Not counted in ClinVar's aggregate classification.

Literature cited by the submitters: PubMed 21668430 (cited by 3 submitters); PubMed 22801880 (cited by Natera, Inc.); PubMed 9544844 (cited by 3billion); PubMed 26762237 (cited by Women's Health and Genetics/Laboratory Corporation of America, LabCorp); PubMed 18948357 (cited by Labcorp Genetics (formerly Invitae), Labcorp); PubMed 19241467 (cited by Labcorp Genetics (formerly Invitae), Labcorp); PubMed 23192619 (cited by Labcorp Genetics (formerly Invitae), Labcorp and Counsyl); PubMed 23278109 (cited by Counsyl).

NM_000359.3(TGM1):c.788G>A (p.Trp263Ter)

Gene: TGM1 (transglutaminase 1; minus strand). Cytogenetic location: 14q12.
Variant type: single nucleotide variant.
Coding change: c.788G>A on transcript NM_000359.3 (MANE Select); coding-DNA position 788, G replaced by A.
Protein change: p.Trp263Ter; replaces tryptophan 263 with a stop codon.
Molecular consequence: nonsense.
Genome position (GRCh38, 1-based): chr14:24,260,028, C>T on the plus strand (G>A on the coding strand, the complement: TGM1 is on the minus strand). VCF-style: chr14-24260028-C-T. GRCh37 (hg19) VCF-style: chr14-24729234-C-T.
Other names: short protein forms W263*.
Identifiers: ClinVar variation 419403 (VCV000419403.23), dbSNP rs367699137, ClinGen allele CA7131283.